The following is an entry in ClinVar:

NM_001278116.2(L1CAM):c.1613C>T (p.Thr538Met)

Gene: L1CAM (L1 cell adhesion molecule; minus strand). Cytogenetic location: Xq28.
Variant type: single nucleotide variant.
Coding change: c.1613C>T on transcript NM_001278116.2 (MANE Select); coding-DNA position 1613, C replaced by T.
Protein change: p.Thr538Met; replaces threonine 538 with methionine.
Molecular consequence: missense variant.
Genome position (GRCh38, 1-based): chrX:153,868,392, G>A on the plus strand (C>T on the coding strand, the complement: L1CAM is on the minus strand). VCF-style: chrX-153868392-G-A. GRCh37 (hg19) VCF-style: chrX-153133847-G-A.
Other names: c.1613C>T, p.Thr538Met (NM_000425.5, NM_024003.3); c.1598C>T, p.Thr533Met (NM_001143963.2); short protein forms T538M, T533M.
Identifiers: ClinVar variation 3017255 (VCV003017255.4), dbSNP rs782210626, ClinGen allele CA10554335.
Genomic context (GRCh38, chrX:153,868,392, plus strand): 5'-CGACCGTCCCCACGCCAGGTGATGCTGGGCTGCAAGGAGGGGTCAAAGGAGGCCTGGCAC[G>A]TGAAGGTCACCCTGGAACCTTTCTTCTCGATTGTGCTGCGGGGCCCCTGAGTGATCTGAG-3'
Protein context (NP_001265045.1, residues 528-548): IEKKGSRVTF[Thr538Met]CQASFDPSLQ

ClinVar aggregate classification (germline): Conflicting classifications of pathogenicity. Review status: criteria provided, conflicting classifications (1 of 4 stars). 2 submissions from 2 submitters: Uncertain significance (1); Benign (1). Last evaluated 2024-09-29.

Conditions:
Spastic paraplegia. Identifiers: MedGen C0037772, HP:0001258.

Allele frequency attached by ClinVar (database versions not stated): gnomAD exomes 0.00001; ExAC 0.00003; TOPMed 0.00003; gnomAD 0.00005.
gnomAD v4.1: 14 of 1,210,009 alleles (0.0012%); highest among the groups gnomAD compares: African/African-American, 0.011%; no homozygotes.

Submissions (2):

Labcorp Genetics (formerly Invitae), Labcorp
Classification: Benign for Spastic paraplegia. Last evaluated: 2024-09-29. Review status: criteria provided, single submitter. Criteria: Invitae Variant Classification Sherloc (09022015). Collection method: clinical testing. Allele origin: germline.

Women's Health and Genetics/Laboratory Corporation of America, LabCorp
Classification: Uncertain significance. Last evaluated: 2024-01-04. Review status: criteria provided, single submitter. Criteria: LabCorp Variant Classification Summary - May 2015. Collection method: clinical testing. Allele origin: germline.
Comment: Variant summary: L1CAM c.1613C>T (p.Thr538Met) results in a non-conservative amino acid change located in the Immunoglobulin subtype 2 domain (IPR003598) of the encoded protein sequence. Three of five in-silico tools predict a benign effect of the variant on protein function. The variant allele was found at a frequency of 2.7e-05 in 183497 control chromosomes (i.e, 5 alleles, including 1 hemizygote; gnomAD v2 Exomes dataset). The available data on variant occurrences in the general population are insufficient to allow any conclusion about variant significance. To our knowledge, no occurrence of c.1613C>T in individuals affected with L1 Syndrome and no experimental evidence demonstrating its impact on protein function have been reported. No submitters have reported clinical-significance assessments for this variant to ClinVar after 2014. Based on the evidence outlined above, the variant was classified as uncertain significance.